The following is an entry in ClinVar:

NM_000334.4(SCN4A):c.964G>A (p.Asp322Asn)

Gene: SCN4A (sodium voltage-gated channel alpha subunit 4; minus strand). Cytogenetic location: 17q23.3.
Variant type: single nucleotide variant.
Coding change: c.964G>A on transcript NM_000334.4 (MANE Select); coding-DNA position 964, G replaced by A.
Protein change: p.Asp322Asn; replaces aspartic acid 322 with asparagine.
Molecular consequence: missense variant.
Genome position (GRCh38, 1-based): chr17:63,968,095, C>T on the plus strand (G>A on the coding strand, the complement: SCN4A is on the minus strand). VCF-style: chr17-63968095-C-T. GRCh37 (hg19) VCF-style: chr17-62045455-C-T.
Other names: short protein forms D322N.
Identifiers: ClinVar variation 571275 (VCV000571275.13), dbSNP rs777516201, ClinGen allele CA8709984.
Genomic context (GRCh38, chr17:63,968,095, plus strand): 5'-TGTAGGCGTCCCAATCAAAGGTATCGTTGGTGGCCCAGCTTGCATGGCTGTTCCACGTGT[C>T]GTTGGCATACCATGAGTCATTGCCGTACCACATCTCATTGCCATACCATGTGTCATTGCC-3'
Protein context (NP_000325.4, residues 312-332): WYGNDSWYAN[Asp322Asn]TWNSHASWAT

ClinVar aggregate classification (germline): Uncertain significance. Review status: criteria provided, multiple submitters, no conflicts (2 of 4 stars). 2 submissions from 2 submitters: Uncertain significance (2). Last evaluated 2024-11-27.

Conditions:
Inborn genetic diseases. Identifiers: MedGen C0950123, MeSH D030342.
Hyperkalemic periodic paralysis. Also called: Gamstorp disease; Familial hyperkalemic periodic paralysis. Identifiers: Orphanet 682, MedGen C0238357, MONDO:0008224, OMIM 170500, HP:0007215.

Allele frequency attached by ClinVar (database versions not stated): TOPMed 0.00002; gnomAD 0.00003; gnomAD exomes 0.00003; ExAC 0.00004.

Submissions (2):

Labcorp Genetics (formerly Invitae), Labcorp
Classification: Uncertain significance for Hyperkalemic periodic paralysis. Last evaluated: 2024-11-27. Review status: criteria provided, single submitter. Criteria: Invitae Variant Classification Sherloc (09022015). Collection method: clinical testing. Allele origin: germline.
Comment: This sequence change replaces aspartic acid, which is acidic and polar, with asparagine, which is neutral and polar, at codon 322 of the SCN4A protein (p.Asp322Asn). This variant is present in population databases (rs777516201, gnomAD 0.01%). This variant has not been reported in the literature in individuals affected with SCN4A-related conditions. ClinVar contains an entry for this variant (Variation ID: 571275). Invitae Evidence Modeling of protein sequence and biophysical properties (such as structural, functional, and spatial information, amino acid conservation, physicochemical variation, residue mobility, and thermodynamic stability) indicates that this missense variant is not expected to disrupt SCN4A protein function with a negative predictive value of 95%. In summary, the available evidence is currently insufficient to determine the role of this variant in disease. Therefore, it has been classified as a Variant of Uncertain Significance.

Ambry Genetics
Classification: Uncertain significance for Inborn genetic diseases. Last evaluated: 2024-01-31. Review status: criteria provided, single submitter. Criteria: Ambry Variant Classification Scheme 2023. Collection method: clinical testing. Allele origin: germline.